The following is an entry in ClinVar:

ClinVar aggregate classification (germline): Likely benign. Review status: criteria provided, multiple submitters, no conflicts (2 of 4 stars). 3 submissions from 3 submitters: Likely benign (3). Last evaluated 2025-11-21.

Conditions:
PCDH15-related disorder. Also called: PCDH15-related disorders; PCDH15-related condition.

Allele frequency attached by ClinVar (database versions not stated): gnomAD exomes 0.00004 and 0.00008; gnomAD 0.00002; TOPMed 0.00006; ExAC 0.00007.
gnomAD v4.1: 26 of 1,613,750 alleles (0.0016%); highest among the groups gnomAD compares: Admixed American, 0.035%; 1 homozygote.

Submissions (3):

PreventionGenetics, part of Exact Sciences
Classification: Likely benign for PCDH15-related condition. Last evaluated: 2025-11-21. Review status: criteria provided, single submitter. Criteria: ACMG Guidelines, 2015. Collection method: clinical testing. Allele origin: germline.
Comment: This variant is classified as likely benign based on ACMG/AMP sequence variant interpretation guidelines (Richards et al. 2015 PMID: 25741868, with internal and published modifications).

CeGaT Center for Human Genetics Tuebingen
Classification: Likely benign. Last evaluated: 2025-11-01. Review status: criteria provided, single submitter. Criteria: CeGaT Center For Human Genetics Tuebingen Variant Classification Criteria Version 2. Collection method: clinical testing. Allele origin: germline. Affected: yes. Observed: 1 variant allele.
Comment: PCDH15: BP4, BP7

Labcorp Genetics (formerly Invitae), Labcorp
Classification: Likely benign. Last evaluated: 2018-11-09. Review status: criteria provided, single submitter. Criteria: Invitae Variant Classification Sherloc (09022015). Collection method: clinical testing. Allele origin: germline.

NM_001384140.1(PCDH15):c.4671+1327T>C

Gene: PCDH15 (protocadherin related 15; minus strand). Cytogenetic location: 10q21.1.
Variant type: single nucleotide variant.
Coding change: c.4671+1327T>C on transcript NM_001384140.1 (MANE Select); 1327 bases into the intron after coding-DNA position 4671, T replaced by C.
Molecular consequence: intron variant. On other transcripts: synonymous variant (2), 3 prime UTR variant (1).
Genome position (GRCh38, 1-based): chr10:53,809,229, A>G on the plus strand (T>C on the coding strand, the complement: PCDH15 is on the minus strand). VCF-style: chr10-53809229-A-G. GRCh37 (hg19) VCF-style: chr10-55568989-A-G.
Other names: c.4836T>C, p.Thr1612= (NM_001142769.4); c.*251T>C (NM_001142770.3); c.4815T>C, p.Thr1605= (NM_001354411.2); c.4476+1327T>C (NM_001354420.2); c.4605+1327T>C (NM_001354429.2); c.4482+1327T>C (NM_001142772.2); c.4497+1327T>C (NM_001142771.2).
Identifiers: ClinVar variation 792791 (VCV000792791.16), dbSNP rs751344048, ClinGen allele CA5504791.